The following is an entry in ClinVar:

ClinVar aggregate classification (germline): Likely pathogenic (1 of 4 stars; one submission).

Conditions:
Hereditary hyperinsulinism.

Submission:

Natera, Inc.
Classification: Likely pathogenic for Hereditary hyperinsulinism. Last evaluated: 2025-10-24. Review status: criteria provided, single submitter. Criteria: Natera Variant Classification Schema (03/2026). Collection method: clinical testing. Allele origin: germline.
Comment: The c.1948_1949insCC variant in ABCC8 is a frameshift variant predicted to shift the reading frame beginning at codon 650 and leads to a stop codon 60 codons downstream. This variant is expected to result in nonsense mediated decay, truncation, or a dysfunctional protein product. This variant is rare in the general population with a frequency below the threshold expected for the associated phenotype(s). Given the available evidence, this variant is classified as Likely Pathogenic.

NM_000352.6(ABCC8):c.1948_1949insCC (p.Arg650fs)

Gene: ABCC8 (ATP binding cassette subfamily C member 8; minus strand). Cytogenetic location: 11p15.1.
Variant type: Insertion.
Coding change: c.1948_1949insCC on transcript NM_000352.6 (MANE Select); coding-DNA positions 1948 to 1949, CC inserted.
Protein change: p.Arg650fs; shifts the reading frame from arginine 650.
Molecular consequence: frameshift variant. On other transcripts: non-coding transcript variant (1).
Genome position: GRCh38 VCF-style: chr11-17428380-C-CGG. GRCh37 (hg19) VCF-style: chr11-17449927-C-CGG.
Other names: c.1948_1949insCC, p.Arg650fs (NM_001287174.3); c.2014_2015insCC, p.Arg672fs (NM_001351295.2); c.1945_1946insCC, p.Arg649fs (NM_001351296.2, NM_001351297.2); short protein forms R649fs, R650fs, R672fs.
Identifiers: ClinVar variation 4818240 (VCV004818240.1).